The following is an entry in ClinVar:

ClinVar aggregate classification (germline): Benign (1 of 4 stars; one submission).

Conditions:
Platelet-type bleeding disorder 9 (BDPLT9). Also called: GLYCOPROTEIN Ia DEFICIENCY; GP Ia DEFICIENCY; COLLAGEN PLATELET RECEPTOR DEFICIENCY. Identifiers: Orphanet 73271, Orphanet 98886, MedGen C3280114, MONDO:0013622, OMIM 614200.

Allele frequency attached by ClinVar (database versions not stated): 1000 Genomes Project 0.00559; gnomAD 0.00566 and 0.00614; 1000 Genomes Project 30x 0.00593; TOPMed 0.00687.

Submission:

Illumina Laboratory Services, Illumina
Classification: Benign for Platelet-type bleeding disorder 9. Last evaluated: 2018-01-13. Review status: criteria provided, single submitter. Criteria: ICSL Variant Classification Criteria 13 December 2019. Collection method: clinical testing. Allele origin: germline.
Comment: This variant was observed in the ICSL laboratory as part of a predisposition screen in an ostensibly healthy population. It had not been previously curated by ICSL or reported in the Human Gene Mutation Database (HGMD: prior to June 1st, 2018), and was therefore a candidate for classification through an automated scoring system. Utilizing variant allele frequency, disease prevalence and penetrance estimates, and inheritance mode, an automated score was calculated to assess if this variant is too frequent to cause the disease. Based on the score and internal cut-off values, a variant classified as benign is not then subjected to further curation. The score for this variant resulted in a classification of benign for this disease.

NM_002203.4(ITGA2):c.*3398T>G

Gene: ITGA2 (integrin subunit alpha 2; plus strand). Cytogenetic location: 5q11.2.
Variant type: single nucleotide variant.
Coding change: c.*3398T>G on transcript NM_002203.4 (MANE Select); 3398 bases downstream of the stop codon, T replaced by G.
Molecular consequence: 3 prime UTR variant. On other transcripts: non-coding transcript variant (5).
Genome position (GRCh38, 1-based): chr5:53,093,997, T>G. VCF-style: chr5-53093997-T-G. GRCh37 (hg19) VCF-style: chr5-52389827-T-G.
Identifiers: ClinVar variation 903712 (VCV000903712.4), dbSNP rs137861998, ClinGen allele CA118881706.